The following is an entry in ClinVar:

ClinVar aggregate classification (germline): Conflicting classifications of pathogenicity. Review status: criteria provided, conflicting classifications (1 of 4 stars). 8 submissions from 8 submitters: Uncertain significance (7); Likely benign (1). Last evaluated 2026-06-17.

Conditions:
Hereditary cancer-predisposing syndrome. Also called: Neoplastic Syndromes, Hereditary; Tumor predisposition; Hereditary neoplastic syndrome; Hereditary Cancer Syndrome. Identifiers: Orphanet 140162, MedGen C0027672, MeSH D009386, MONDO:0015356.
Hereditary breast ovarian cancer syndrome. Also called: Hereditary breast and ovarian cancer syndrome (HBOC); Hereditary breast and ovarian cancer syndrome; Breast and ovarian cancer; Hereditary breast and ovarian cancer; Hereditary breast and/or ovarian cancer syndrome; BRCA1- and BRCA2-Associated Hereditary Breast and Ovarian Cancer. Identifiers: Orphanet 145, MedGen C0677776, MeSH D061325, MONDO:0003582. Disease mechanism: loss of function.

Submissions (8):

Women's Health and Genetics/Laboratory Corporation of America, LabCorp
Classification: Uncertain significance. Last evaluated: 2026-06-17. Review status: criteria provided, single submitter. Criteria: LabCorp Variant Classification Summary - May 2015. Collection method: clinical testing. Allele origin: germline.
Comment: Variant summary: BRCA2 c.5704G>T (p.Asp1902Tyr) results in a non-conservative amino acid change in the encoded protein sequence. Algorithms developed to predict the effect of missense changes on protein structure and function are either unavailable or do not agree on the potential impact of this missense change. The variant was absent in 250772 control chromosomes. The available data on variant occurrences in the general population are insufficient to allow any conclusion about variant significance. c.5704G>T has been observed in an individual affected with colorectal cancer (Pearlman_2021) but has also been found in one control individual from a breast cancer case-control study (Onyia_2025). These reports do not provide unequivocal conclusions about association of the variant with disease. To our knowledge, no experimental evidence demonstrating an impact on protein function has been reported. The following publications have been ascertained in the context of this evaluation (PMID: 40211798, 34250417). ClinVar contains an entry for this variant (Variation ID: 187744). Based on the evidence outlined above, the variant was classified as uncertain significance.

Labcorp Genetics (formerly Invitae), Labcorp
Classification: Uncertain significance for Hereditary breast ovarian cancer syndrome. Last evaluated: 2024-10-18. Review status: criteria provided, single submitter. Criteria: Invitae Variant Classification Sherloc (09022015). Collection method: clinical testing. Allele origin: germline.
Comment: This sequence change replaces aspartic acid, which is acidic and polar, with tyrosine, which is neutral and polar, at codon 1902 of the BRCA2 protein (p.Asp1902Tyr). This variant is not present in population databases (gnomAD no frequency). This variant has not been reported in the literature in individuals affected with BRCA2-related conditions. ClinVar contains an entry for this variant (Variation ID: 187744). Invitae Evidence Modeling of protein sequence and biophysical properties (such as structural, functional, and spatial information, amino acid conservation, physicochemical variation, residue mobility, and thermodynamic stability) indicates that this missense variant is not expected to disrupt BRCA2 protein function with a negative predictive value of 95%. In summary, the available evidence is currently insufficient to determine the role of this variant in disease. Therefore, it has been classified as a Variant of Uncertain Significance.

Ambry Genetics
Classification: Uncertain significance for Hereditary cancer-predisposing syndrome. Last evaluated: 2024-09-22. Review status: criteria provided, single submitter. Criteria: Ambry Variant Classification Scheme 2023. Collection method: clinical testing. Allele origin: germline.
Comment: The p.D1902Y variant (also known as c.5704G>T), located in coding exon 10 of the BRCA2 gene, results from a G to T substitution at nucleotide position 5704. The aspartic acid at codon 1902 is replaced by tyrosine, an amino acid with highly dissimilar properties. This variant was not reported in population based cohorts in the following databases: Database of Single Nucleotide Polymorphisms (dbSNP), NHLBI Exome Sequencing Project (ESP), and 1000 Genomes Project. In the ESP, this variant was not observed in 6502 samples (13004 alleles) with coverage at this position. To date, this alteration has been detected with an allele frequency of approximately 0.001% (greater than 225000 alleles tested) in our clinical cohort. This amino acid position is not well conserved in available vertebrate species. In addition, the in silico prediction for this alteration is inconclusive. Since supporting evidence is limited at this time, the clinical significance of p.D1902Y remains unclear.

Revvity Omics, Revvity
Classification: Uncertain significance. Last evaluated: 2024-06-04. Review status: criteria provided, single submitter. Criteria: ACMG Guidelines, 2015. Collection method: clinical testing. Allele origin: germline.

Quest Diagnostics Nichols Institute San Juan Capistrano
Classification: Uncertain significance. Last evaluated: 2023-08-02. Review status: criteria provided, single submitter. Criteria: Quest Diagnostics criteria. Collection method: clinical testing. Allele origin: unknown.
Comment: In the published literature, this variant has been reported to be located in a region of the BRCA1 protein that is tolerant to amino acid changes (PMID: 31911673 (2020)). This variant has not been reported in large, multi-ethnic general populations (Genome Aggregation Database). Analysis of this variant using bioinformatics tools for the prediction of the effect of amino acid changes on protein structure and function yielded conflicting predictions that this variant is benign or damaging. Based on the available information, we are unable to determine the clinical significance of this variant.

Color Diagnostics, LLC DBA Color Health
Classification: Uncertain significance for Hereditary cancer-predisposing syndrome. Last evaluated: 2023-05-23. Review status: criteria provided, single submitter. Criteria: ACMG Guidelines, 2015. Collection method: clinical testing. Allele origin: germline.
Comment: This missense variant replaces aspartic acid with tyrosine at codon 1902 of the BRCA2 protein. Computational prediction suggests that this variant may not impact protein structure and function (internally defined REVEL score threshold <= 0.5, PMID: 27666373). To our knowledge, functional studies have not been reported for this variant. This variant has not been reported in individuals affected with BRCA2-related disorders in the literature. This variant has not been identified in the general population by the Genome Aggregation Database (gnomAD). The available evidence is insufficient to determine the role of this variant in disease conclusively. Therefore, this variant is classified as a Variant of Uncertain Significance.

University of Washington Department of Laboratory Medicine, University of Washington
Classification: Likely benign for Hereditary cancer-predisposing syndrome. Last evaluated: 2023-03-23. Review status: criteria provided, single submitter. Criteria: Dines et al. (Genet Med. 2020). Collection method: curation. Allele origin: germline.
Comment: Missense variant in a coldspot region where missense variants are very unlikely to be pathogenic (PMID:31911673).

BRCA2 exon 11 coldspot. Reclassification based on statistical prior probability.

GeneDx
Classification: Uncertain significance. Last evaluated: 2015-12-04. Review status: criteria provided, single submitter. Criteria: GeneDx Variant Classification (06012015). Collection method: clinical testing. Allele origin: germline. Affected: yes.
Comment: This variant is denoted BRCA2 c.5704G>T at the cDNA level, p.Asp1902Tyr (D1902Y) at the protein level, and results in the change of an Aspartic Acid to a Tyrosine (GAT>TAT). Using alternate nomenclature, this variant would be defined as BRCA2 5932G>T. This variant has not, to our knowledge, been published in the literature as pathogenic or benign. BRCA2 Asp1902Tyr was not observed in approximately 6,500 individuals of European and African American ancestry in the NHLBI Exome Sequencing Project, suggesting it is not a common benign variant in these populations. Since Aspartic Acid and Tyrosine differ in polarity, charge, size or other properties, this is considered a non-conservative amino acid substitution. BRCA2 Asp1902Tyr occurs at a position that is not conserved and is not located in a known functional domain (Borg 2010). In silico analyses are inconsistent regarding the effect this variant may have on protein structure and function. Based on currently available evidence, it is unclear whether BRCA2 Asp1902Tyr is a pathogenic or benign variant. We consider it to be a variant of uncertain significance.

Literature cited by the submitters: PubMed 34250417 (cited by Women's Health and Genetics/Laboratory Corporation of America, LabCorp); PubMed 40211798 (cited by Women's Health and Genetics/Laboratory Corporation of America, LabCorp); PubMed 31911673 (cited by Quest Diagnostics Nichols Institute San Juan Capistrano).

NM_000059.4(BRCA2):c.5704G>T (p.Asp1902Tyr)

Gene: BRCA2 (BRCA2 DNA repair associated; plus strand). Cytogenetic location: 13q13.1.
Variant type: single nucleotide variant.
Coding change: c.5704G>T on transcript NM_000059.4 (MANE Select); coding-DNA position 5704, G replaced by T.
Protein change: p.Asp1902Tyr; replaces aspartic acid 1902 with tyrosine.
Molecular consequence: missense variant.
Genome position (GRCh38, 1-based): chr13:32,340,059, G>T. VCF-style: chr13-32340059-G-T. GRCh37 (hg19) VCF-style: chr13-32914196-G-T.
Other names: short protein forms D1902Y.
Identifiers: ClinVar variation 187744 (VCV000187744.18), dbSNP rs4987048, ClinGen allele CA023017.